The following is an entry in ClinVar:

ClinVar aggregate classification (germline): Conflicting classifications of pathogenicity. Review status: criteria provided, conflicting classifications (1 of 4 stars). 2 submissions from 2 submitters: Likely pathogenic (1); Uncertain significance (1). Last evaluated 2026-04-20.

Conditions:
Ehlers-Danlos syndrome, classic type, 1 (EDSCL1). Also called: Ehlers-Danlos Syndrome, Classic Type, COL5A1-Related; EHLERS-DANLOS SYNDROME, GRAVIS TYPE; EHLERS-DANLOS SYNDROME, SEVERE CLASSIC TYPE; Ehlers-Danlos syndrome, type 1; EDS I. Identifiers: MedGen C0268335, MONDO:0019567, OMIM 130000.

Allele frequency attached by ClinVar (database versions not stated): gnomAD exomes below 0.00001.
gnomAD v4.1: 2 of 1,548,826 alleles (0.00013%); highest among the groups gnomAD compares: Non-Finnish European, 0.00017%; no homozygotes.

Submissions (2):

Victorian Clinical Genetics Services, Murdoch Childrens Research Institute
Classification: Uncertain significance for Ehlers-Danlos syndrome, classic type, 1. Last evaluated: 2026-04-20. Review status: criteria provided, single submitter. Criteria: ACMG Guidelines, 2015. Collection method: clinical testing. Allele origin: germline.
Comment: This variant is classified as VUS-3A. Evidence in support of pathogenic classification: Variant is present in gnomAD <0.001 for a dominant condition (v4: 2 heterozygote(s), 0 homozygote(s)); Variant is located in the well-established functional Gly-X-Y motif within the collagen repeat domain, and affects a glycine residue (DECIPHER). However, this is not a well established mechanism of disease in this gene; Missense variant predicted to be damaging by in silico tool(s) or highly conserved with a major amino acid change. Additional information: Variant is predicted to result in a missense amino acid change from Gly to Ala; This variant is heterozygous; This gene is associated with autosomal dominant disease; Previous evidence of pathogenicity for this variant is inconclusive. This variant has been classified as likely pathogenic by a clinical laboratory in ClinVar, however a retrospective study involving the same individual downgraded the classification to VUS as this gene was not a match for their phenotype (PMID: 28252636); No published evidence of segregation with disease has been identified for this variant; No published functional evidence has been identified for this variant; No comparable missense variants have previous evidence for pathogenicity; Loss of function is a known mechanism of disease in this gene and is associated with classic type Ehlers-Danlos syndrome 1 (MIM#130000) whereas the mechanism of disease for multifocal fibromuscular dysplasia (MIM#619329) is unknown. Dominant negative is a suggested mechanism of disease (PMID: 32720758).

GeneDx
Classification: Likely pathogenic. Last evaluated: 2015-04-15. Review status: criteria provided, single submitter. Criteria: GeneDx Variant Classification (06012015). Collection method: clinical testing. Allele origin: germline. Affected: yes.
Comment: p.Gly1117Ala (GGA>GCA): c.3350 G>C in exon 42 in the COL5A1 Gene (NM_000093.3).The G1117A variant in the COL5A1 gene has not been published as a mutation, nor has it been reported as a benign polymorphism to our knowledge. The G1117A variant was not observed in approximately 5300 individuals of European and African American ancestry in the NHLBI Exome Sequencing Project, indicating it is not a common benign variant in these populations. The G1117A variant is a conservative amino acid substitution, which occurs at a position that is conserved across species, affecting the Glycine residue of the triple-helical region containing Gly-X-Y repeats. In silico analysis therefore predicts this variant is probably damaging to the protein structure/function. The G1117A variant is a strong candidate for a disease-causing mutation. However, the possibility it may be a rare benign variant cannot be excluded.This variant was found in HG19-EXOME-

Literature cited by the submitters: PubMed 32720758 (cited by Victorian Clinical Genetics Services, Murdoch Childrens Research Institute); PubMed 28252636 (cited by Victorian Clinical Genetics Services, Murdoch Childrens Research Institute).

NM_000093.5(COL5A1):c.3350G>C (p.Gly1117Ala)

Gene: COL5A1 (collagen type V alpha 1 chain; plus strand). Cytogenetic location: 9q34.3.
Variant type: single nucleotide variant.
Coding change: c.3350G>C on transcript NM_000093.5 (MANE Select); coding-DNA position 3350, G replaced by C.
Protein change: p.Gly1117Ala; replaces glycine 1117 with alanine.
Molecular consequence: missense variant.
Genome position (GRCh38, 1-based): chr9:134,806,280, G>C. VCF-style: chr9-134806280-G-C. GRCh37 (hg19) VCF-style: chr9-137698126-G-C.
Other names: p.G1117A:GGA>GCA; c.3350G>C, p.Gly1117Ala (NM_001278074.1); short protein forms G1117A.
Identifiers: ClinVar variation 212962 (VCV000212962.3), dbSNP rs863223448, ClinGen allele CA321246.
Genomic context (GRCh38, chr9:134,806,280, plus strand): 5'-CCGCTGGGCCCATCGGAATTCCAGGGAGACCTGGGCCCCAGGGACCCCCAGGGCCGGCAG[G>C]AGAGAAAGGGGCTCCTGTAAGTACTGCCTTGGATTGGGGGAGCCCTTCCCTCAGAGATGC-3'
Protein context (NP_000084.3, residues 1107-1127): PGPQGPPGPA[Gly1117Ala]EKGAPGEKGP